The following is an entry in ClinVar:

NM_000543.5(SMPD1):c.567A>G (p.Lys189=)

Gene: SMPD1 (sphingomyelin phosphodiesterase 1; plus strand). Cytogenetic location: 11p15.4.
Variant type: single nucleotide variant.
Coding change: c.567A>G on transcript NM_000543.5 (MANE Select); coding-DNA position 567, A replaced by G.
Protein change: p.Lys189=; no amino-acid change (lysine 189 retained).
Molecular consequence: synonymous variant. On other transcripts: 5 prime UTR variant (1), non-coding transcript variant (1).
Genome position (GRCh38, 1-based): chr11:6,391,632, A>G. VCF-style: chr11-6391632-A-G. GRCh37 (hg19) VCF-style: chr11-6412862-A-G.
Other names: c.564A>G, p.Lys188= (NM_001007593.3); c.567A>G, p.Lys189= (NM_001318087.2, NM_001365135.2); c.-395A>G (NM_001318088.2).
Identifiers: ClinVar variation 597618 (VCV000597618.39), dbSNP rs750187574, ClinGen allele CA5852630.

ClinVar aggregate classification (germline): Conflicting classifications of pathogenicity. Review status: criteria provided, conflicting classifications (1 of 4 stars). 5 submissions from 5 submitters: Uncertain significance (1); Likely benign (3). 1 of the submissions does not count toward it. Last evaluated 2026-01-28.

Conditions:
SMPD1-related disorder. Also called: SMPD1-related condition.
Niemann-Pick disease, type A. Also called: SPHINGOMYELIN LIPIDOSIS; SPHINGOMYELINASE DEFICIENCY; Infantile Neurovisceral ASMD (Niemann-Pick Disease Type A; NPD-A). Identifiers: Orphanet 77292, MedGen C0268242, MONDO:0009756, OMIM 257200. Disease mechanism: loss of function.
Niemann-Pick disease, type B. Also called: Chronic Visceral ASMD (Niemann-Pick Disease Type B; NPD-B). Identifiers: Orphanet 77293, MedGen C0268243, MONDO:0011871, OMIM 607616. Disease mechanism: loss of function.
Sphingomyelin/cholesterol lipidosis. Also called: Niemann-Pick disease. Identifiers: MedGen C0028064, MONDO:0001982.

Allele frequency attached by ClinVar (database versions not stated): gnomAD exomes 0.00009; ExAC 0.00014.
gnomAD v4.1: 126 of 1,497,818 alleles (0.0084%); highest among the groups gnomAD compares: South Asian, 0.084%; 1 homozygote.

Submissions (5):

Labcorp Genetics (formerly Invitae), Labcorp
Classification: Likely benign for Niemann-Pick disease, type B; Niemann-Pick disease, type A. Last evaluated: 2026-01-28. Review status: criteria provided, single submitter. Criteria: Invitae Variant Classification Sherloc (09022015). Collection method: clinical testing. Allele origin: germline.

PreventionGenetics, part of Exact Sciences
Classification: Likely benign for SMPD1-related condition. Last evaluated: 2025-05-21. Review status: criteria provided, single submitter. Criteria: ACMG Guidelines, 2015. Collection method: clinical testing. Allele origin: germline.
Comment: This variant is classified as likely benign based on ACMG/AMP sequence variant interpretation guidelines (Richards et al. 2015 PMID: 25741868, with internal and published modifications).

CeGaT Center for Human Genetics Tuebingen
Classification: Likely benign. Last evaluated: 2024-01-01. Review status: criteria provided, single submitter. Criteria: CeGaT Center For Human Genetics Tuebingen Variant Classification Criteria Version 2. Collection method: clinical testing. Allele origin: germline. Affected: yes. Observed: 1 variant allele.
Comment: SMPD1: BP4, BP7

Eurofins Ntd Llc (ga)
Classification: Uncertain significance. Last evaluated: 2018-06-14. Review status: criteria provided, single submitter. Criteria: EGL ClinVar v180209 classification definitions. Collection method: clinical testing. Allele origin: germline. Observed: 1 variant allele, 1 heterozygote.

Natera, Inc.
Classification: Likely benign for Acid sphingomyelinase deficiency. Last evaluated: 2019-10-02. Review status: no assertion criteria provided. Collection method: clinical testing. Allele origin: germline. Not counted in ClinVar's aggregate classification.